The following is an entry in ClinVar:

ClinVar aggregate classification (germline): Uncertain significance (1 of 4 stars; one submission).

Submission:

CeGaT Center for Human Genetics Tuebingen
Classification: Uncertain significance. Last evaluated: 2025-11-01. Review status: criteria provided, single submitter. Criteria: CeGaT Center For Human Genetics Tuebingen Variant Classification Criteria Version 2. Collection method: clinical testing. Allele origin: germline. Affected: yes. Observed: 1 variant allele.
Comment: MORC2: PM2

NM_001303256.3(MORC2):c.824+1G>T

Gene: MORC2 (MORC family CW-type zinc finger 2; minus strand). Cytogenetic location: 22q12.2.
Variant type: single nucleotide variant.
Coding change: c.824+1G>T on transcript NM_001303256.3 (MANE Select); the canonical splice donor site of the intron after coding-DNA position 824, G replaced by T.
Molecular consequence: splice donor variant.
Genome position (GRCh38, 1-based): chr22:30,941,432, C>A on the plus strand (G>T on the coding strand, the complement: MORC2 is on the minus strand). VCF-style: chr22-30941432-C-A. GRCh37 (hg19) VCF-style: chr22-31337419-C-A.
Other names: c.824+1G>T (NM_001303257.2); c.638+1G>T (NM_014941.3).
Identifiers: ClinVar variation 4535218 (VCV004535218.6).